The following is an entry in ClinVar:

ClinVar aggregate classification (germline): Uncertain significance. Review status: criteria provided, multiple submitters, no conflicts (2 of 4 stars). 2 submissions from 2 submitters: Uncertain significance (2). Last evaluated 2025-07-15.

Allele frequency attached by ClinVar (database versions not stated): TOPMed below 0.00001; gnomAD 0.00001.
gnomAD v4.1: 14 of 1,613,210 alleles (0.00087%); highest among the groups gnomAD compares: Non-Finnish European, 0.0012%; no homozygotes.

Submissions (2):

Ambry Genetics
Classification: Uncertain significance. Last evaluated: 2025-07-15. Review status: criteria provided, single submitter. Criteria: Ambry Variant Classification Scheme 2023. Collection method: clinical testing. Allele origin: germline.

Labcorp Genetics (formerly Invitae), Labcorp
Classification: Uncertain significance. Last evaluated: 2024-07-17. Review status: criteria provided, single submitter. Criteria: Invitae Variant Classification Sherloc (09022015). Collection method: clinical testing. Allele origin: germline.
Comment: This sequence change replaces leucine, which is neutral and non-polar, with proline, which is neutral and non-polar, at codon 138 of the FUK protein (p.Leu138Pro). This variant is present in population databases (no rsID available, gnomAD 0.007%). This variant has not been reported in the literature in individuals affected with FUK-related conditions. ClinVar contains an entry for this variant (Variation ID: 2000125). An algorithm developed to predict the effect of missense changes on protein structure and function (PolyPhen-2) suggests that this variant is likely to be disruptive. In summary, the available evidence is currently insufficient to determine the role of this variant in disease. Therefore, it has been classified as a Variant of Uncertain Significance.

NM_145059.3(FCSK):c.413T>C (p.Leu138Pro)

Gene: FCSK (fucose kinase; plus strand). Cytogenetic location: 16q22.1.
Variant type: single nucleotide variant.
Coding change: c.413T>C on transcript NM_145059.3 (MANE Select); coding-DNA position 413, T replaced by C.
Protein change: p.Leu138Pro; replaces leucine 138 with proline.
Molecular consequence: missense variant.
Genome position (GRCh38, 1-based): chr16:70,466,883, T>C. VCF-style: chr16-70466883-T-C. GRCh37 (hg19) VCF-style: chr16-70500786-T-C.
Other names: c.413T>C (NM_145059.2); short protein forms L138P.
Identifiers: ClinVar variation 2000125 (VCV002000125.5), dbSNP rs1369068308, ClinGen allele CA396562406.